The following is an entry in ClinVar:

NM_015937.6(PIGT):c.17del (p.Pro6fs)

Gene: PIGT (phosphatidylinositol glycan anchor biosynthesis class T; plus strand). Cytogenetic location: 20q13.12.
Variant type: Deletion.
Coding change: c.17del on transcript NM_015937.6 (MANE Select); coding-DNA position 17, one base deleted (C; older notation c.17delC).
Protein change: p.Pro6fs; shifts the reading frame from proline 6.
Molecular consequence: frameshift variant. On other transcripts: non-coding transcript variant (5).
Genome position (GRCh38, 1-based): chr20:45,416,173, C deleted; the last of 2 consecutive C bases (chr20:45,416,172-45,416,173); deleting either gives the same sequence. VCF-style (leftmost placement, unchanged base first): chr20-45416171-GC-G. GRCh37 (hg19) VCF-style: chr20-44044811-GC-G.
Other names: c.17del, p.Pro6fs (NM_001184728.3, NM_001184729.3, NM_001184730.3); short protein forms P6fs.
Identifiers: ClinVar variation 3359139 (VCV003359139.2).

ClinVar aggregate classification (germline): Likely pathogenic (1 of 4 stars; one submission).

Conditions:
Multiple congenital anomalies-hypotonia-seizures syndrome 3 (MCAHS3). Also called: GLYCOSYLPHOSPHATIDYLINOSITOL BIOSYNTHESIS DEFECT 7. Identifiers: Orphanet 369837, MedGen C3809356, MONDO:0014165, OMIM 615398.

Submission:

Institute of Human Genetics, University of Leipzig Medical Center
Classification: Likely pathogenic for Multiple congenital anomalies-hypotonia-seizures syndrome 3. Last evaluated: 2024-04-08. Review status: criteria provided, single submitter. Criteria: ACMG Guidelines, 2015. Collection method: clinical testing. Allele origin: unknown. Inheritance: Autosomal recessive inheritance. Affected: yes.
Comment: Criteria applied: PVS1,PM2_SUP